The following is an entry in ClinVar:

ClinVar aggregate classification (germline): Uncertain significance (1 of 4 stars; one submission).

Conditions:
Muscular dystrophy-dystroglycanopathy (congenital with brain and eye anomalies), type A5. Also called: MUSCULAR DYSTROPHY-DYSTROGLYCANOPATHY (CONGENITAL WITH BRAIN AND EYE ANOMALIES), TYPE A, 5; WALKER-WARBURG SYNDROME OR MUSCLE-EYE-BRAIN DISEASE, FKRP-RELATED. Identifiers: Orphanet 588, Orphanet 899, MedGen C3150413, MONDO:0013157, OMIM 613153.
Muscular dystrophy-dystroglycanopathy type B5 (MDDGB5). Also called: MUSCULAR DYSTROPHY-DYSTROGLYCANOPATHY (CONGENITAL WITH OR WITHOUT IMPAIRED INTELLECTUAL DEVELOPMENT), TYPE B, 5; MUSCULAR DYSTROPHY, CONGENITAL, 1C; MUSCULAR DYSTROPHY, CONGENITAL, FKRP-RELATED. Identifiers: MedGen C1847759, MONDO:0011688, OMIM 606612.
Autosomal recessive limb-girdle muscular dystrophy type 2I. Also called: MUSCULAR DYSTROPHY-DYSTROGLYCANOPATHY (LIMB-GIRDLE), TYPE C, 5; MUSCULAR DYSTROPHY-DYSTROGLYCANOPATHY, LIMB-GIRDLE, FRKP-RELATED; MUSCULAR DYSTROPHY, LIMB-GIRDLE, TYPE 2I. Identifiers: Orphanet 34515, MedGen C1846672, MONDO:0011787, OMIM 607155.

gnomAD v4.1: 2 of 1,605,508 alleles (0.00012%); highest among the groups gnomAD compares: South Asian, 0.0011%; no homozygotes.

Submission:

Diagnostics Services (NGS), CSIR - Centre For Cellular And Molecular Biology
Classification: Uncertain significance for Autosomal recessive limb-girdle muscular dystrophy type 2I; Muscular dystrophy-dystroglycanopathy (congenital with brain and eye anomalies), type A5; Muscular dystrophy-dystroglycanopathy type B5. Last evaluated: 2025-09-18. Review status: criteria provided, single submitter. Criteria: ACMG Guidelines, 2015. Collection method: clinical testing. Allele origin: germline. Affected: yes. Observed: 1 variant allele, 1 heterozygote.
Comment: The c.1096G>A variant is not present in publicly available population databases like 1000 Genomes, EVS, gnomAD, Indian Exome Database or our internal database. This variant has neither been published in literature in individuals affected with FKRP-related conditions nor reported to the clinical databases like Human Genome Mutation Database (HGMD), ClinVar or OMIM, in any affected individuals. In-silico pathogenicity prediction programs like SIFT, Polyphen-2, MutationTaster2, CADD, Franklin etc predicted the variant to be likely deleterious, however these predictions were not confirmed by published functional studies. This variant is located in a mutational hotspot region of the gene.

NM_024301.5(FKRP):c.1096G>A (p.Gly366Ser)

Gene: FKRP (fukutin related protein; plus strand). Cytogenetic location: 19q13.32.
Variant type: single nucleotide variant.
Coding change: c.1096G>A on transcript NM_024301.5 (MANE Select); coding-DNA position 1096, G replaced by A.
Protein change: p.Gly366Ser; replaces glycine 366 with serine.
Molecular consequence: missense variant.
Genome position (GRCh38, 1-based): chr19:46,756,546, G>A. VCF-style: chr19-46756546-G-A. GRCh37 (hg19) VCF-style: chr19-47259803-G-A.
Other names: c.1096G>A, p.Gly366Ser (NM_001039885.3); short protein forms G366S.
Identifiers: ClinVar variation 4279608 (VCV004279608.1).